The following is an entry in ClinVar:

NM_001451.3(FOXF1):c.1088C>T (p.Ser363Phe)

Gene: FOXF1 (forkhead box F1; plus strand). Cytogenetic location: 16q24.1.
Variant type: single nucleotide variant.
Coding change: c.1088C>T on transcript NM_001451.3 (MANE Select); coding-DNA position 1088, C replaced by T.
Protein change: p.Ser363Phe; replaces serine 363 with phenylalanine.
Molecular consequence: missense variant.
Genome position (GRCh38, 1-based): chr16:86,513,033, C>T. VCF-style: chr16-86513033-C-T. GRCh37 (hg19) VCF-style: chr16-86546639-C-T.
Other names: short protein forms S363F.
Identifiers: ClinVar variation 5020352 (VCV005020352.1).

ClinVar aggregate classification (germline): Uncertain significance (1 of 4 stars; one submission).

Submission:

Dasa
Classification: Uncertain significance. Last evaluated: 2026-06-17. Review status: criteria provided, single submitter. Criteria: DASA Assertion Criteria. Collection method: clinical testing. Allele origin: germline.
Comment: NM_001451.3(FOXF1):c.1088C>T (p.Ser363Phe) is a missense variant that results in the substitution of serine with phenylalanine. This variant is rare in population databases. Computational prediction algorithms are consistent with a deleterious effect. The currently available literature and clinical evidence are not sufficient to establish a definitive association between this variant and the reported condition. Therefore, this variant is classified as a variant of uncertain significance.